The following is an entry in ClinVar:

NM_004577.4(PSPH):c.647T>G (p.Phe216Cys)

Gene: PSPH (phosphoserine phosphatase; minus strand). Cytogenetic location: 7p11.2.
Variant type: single nucleotide variant.
Coding change: c.647T>G on transcript NM_004577.4 (MANE Select); coding-DNA position 647, T replaced by G.
Protein change: p.Phe216Cys; replaces phenylalanine 216 with cysteine.
Molecular consequence: missense variant.
Genome position (GRCh38, 1-based): chr7:56,011,793, A>C on the plus strand (T>G on the coding strand, the complement: PSPH is on the minus strand). VCF-style: chr7-56011793-A-C. GRCh37 (hg19) VCF-style: chr7-56079486-A-C.
Other names: c.647T>G, p.Phe216Cys (NM_001370503.1, NM_001370504.1, NM_001370505.1 and 17 more transcripts); short protein forms F216C.
Identifiers: ClinVar variation 1379226 (VCV001379226.7), dbSNP rs935820820, ClinGen allele CA159013554.

ClinVar aggregate classification (germline): Uncertain significance (1 of 4 stars; one submission).

Conditions:
Deficiency of phosphoserine phosphatase (PSPHD). Also called: Phosphoserine phosphatase deficiency; PSPH deficiency. Identifiers: Orphanet 79350, MedGen C1291463, MONDO:0013531, OMIM 614023.

Allele frequency attached by ClinVar (database versions not stated): TOPMed below 0.00001; gnomAD 0.00001.
gnomAD v4.1: 1 of 1,613,356 alleles (0.000062%); highest among the groups gnomAD compares: African/African-American, 0.0013%; no homozygotes.

Submission:

Labcorp Genetics (formerly Invitae), Labcorp
Classification: Uncertain significance for Deficiency of phosphoserine phosphatase. Last evaluated: 2021-05-21. Review status: criteria provided, single submitter. Criteria: Invitae Variant Classification Sherloc (09022015). Collection method: clinical testing. Allele origin: germline.
Comment: In summary, the available evidence is currently insufficient to determine the role of this variant in disease. Therefore, it has been classified as a Variant of Uncertain Significance. Algorithms developed to predict the effect of missense changes on protein structure and function (SIFT, PolyPhen-2, Align-GVGD) all suggest that this variant is likely to be disruptive, but these predictions have not been confirmed by published functional studies and their clinical significance is uncertain. This variant has not been reported in the literature in individuals with PSPH-related conditions. This variant is not present in population databases (ExAC no frequency). This sequence change replaces phenylalanine with cysteine at codon 216 of the PSPH protein (p.Phe216Cys). The phenylalanine residue is highly conserved and there is a large physicochemical difference between phenylalanine and cysteine.